The following is an entry in ClinVar:

ClinVar aggregate classification (germline): Uncertain significance (1 of 4 stars; one submission).

Allele frequency attached by ClinVar (database versions not stated): gnomAD exomes below 0.00001; gnomAD 0.00001.
gnomAD v4.1: 2 of 1,600,318 alleles (0.00012%); highest among the groups gnomAD compares: Non-Finnish European, 0.00017%; no homozygotes.

Submission:

Labcorp Genetics (formerly Invitae), Labcorp
Classification: Uncertain significance. Last evaluated: 2023-12-10. Review status: criteria provided, single submitter. Criteria: Invitae Variant Classification Sherloc (09022015). Collection method: clinical testing. Allele origin: germline.
Comment: This sequence change replaces lysine, which is basic and polar, with asparagine, which is neutral and polar, at codon 115 of the TMC1 protein (p.Lys115Asn). This variant is present in population databases (no rsID available, gnomAD 0.007%). This variant has not been reported in the literature in individuals affected with TMC1-related conditions. Advanced modeling of protein sequence and biophysical properties (such as structural, functional, and spatial information, amino acid conservation, physicochemical variation, residue mobility, and thermodynamic stability) performed at Invitae indicates that this missense variant is not expected to disrupt TMC1 protein function with a negative predictive value of 95%. In summary, the available evidence is currently insufficient to determine the role of this variant in disease. Therefore, it has been classified as a Variant of Uncertain Significance.

NM_138691.3(TMC1):c.345G>C (p.Lys115Asn)

Gene: TMC1 (transmembrane channel like 1; plus strand). Cytogenetic location: 9q21.13.
Variant type: single nucleotide variant.
Coding change: c.345G>C on transcript NM_138691.3 (MANE Select); coding-DNA position 345, G replaced by C.
Protein change: p.Lys115Asn; replaces lysine 115 with asparagine.
Molecular consequence: missense variant.
Genome position (GRCh38, 1-based): chr9:72,700,626, G>C. VCF-style: chr9-72700626-G-C. GRCh37 (hg19) VCF-style: chr9-75315542-G-C.
Other names: short protein forms K115N.
Identifiers: ClinVar variation 2871137 (VCV002871137.3), dbSNP rs1222930328, ClinGen allele CA373724640.